The following is an entry in ClinVar:

ClinVar aggregate classification (germline): Pathogenic/Likely pathogenic. Review status: criteria provided, multiple submitters, no conflicts (2 of 4 stars). 6 submissions from 6 submitters: Pathogenic (3); Likely pathogenic (2). 1 of the submissions does not count toward it. Last evaluated 2024-12-24.

Conditions:
Marfan syndrome (MFS). Also called: MARFAN SYNDROME, TYPE I; FBN1-Related Marfan Syndrome; Marfan syndrome type 1; Marfan's syndrome; Marfan syndrome, classic. Identifiers: Orphanet 284963, Orphanet 558, MedGen C0024796, MONDO:0007947, OMIM 154700.
Familial thoracic aortic aneurysm and aortic dissection (TAAD). Also called: Thoracic aortic aneurysms and dissections. Identifiers: Orphanet 91387, MedGen C4707243, MONDO:0019625.

Submissions (6):

Labcorp Genetics (formerly Invitae), Labcorp
Classification: Pathogenic for Marfan syndrome; Familial thoracic aortic aneurysm and aortic dissection. Last evaluated: 2024-12-24. Review status: criteria provided, single submitter. Criteria: Invitae Variant Classification Sherloc (09022015). Collection method: clinical testing. Allele origin: germline.
Comment: This sequence change replaces cysteine, which is neutral and slightly polar, with arginine, which is basic and polar, at codon 1791 of the FBN1 protein (p.Cys1791Arg). This variant is not present in population databases (gnomAD no frequency). This missense change has been observed in individuals with Marfan syndrome (PMID: 16220557; internal data). ClinVar contains an entry for this variant (Variation ID: 449439). Invitae Evidence Modeling of protein sequence and biophysical properties (such as structural, functional, and spatial information, amino acid conservation, physicochemical variation, residue mobility, and thermodynamic stability) indicates that this missense variant is expected to disrupt FBN1 protein function with a positive predictive value of 95%. This variant affects a cysteine residue in the EGF-like, TGFBP or hybrid motif domains of FBN1. Cysteine residues are believed to be involved in intramolecular disulfide bridges and have been shown to be important for FBN1 protein structure (PMID: 16905551, 19349279). In addition, missense substitutions affecting cysteine residues within these domains are significantly overrepresented among patients with Marfan syndrome (PMID: 16571647, 17701892). For these reasons, this variant has been classified as Pathogenic.

CHEO Genetics Diagnostic Laboratory, Children's Hospital of Eastern Ontario
Classification: Likely pathogenic for Familial thoracic aortic aneurysm and aortic dissection. Last evaluated: 2022-09-09. Review status: criteria provided, single submitter. Criteria: ACMG Guidelines, 2015. Collection method: clinical testing. Allele origin: germline.

Centre of Medical Genetics, University of Antwerp
Classification: Pathogenic for Marfan syndrome. Last evaluated: 2021-03-01. Review status: criteria provided, single submitter. Criteria: Submitter's publication. Collection method: research. Allele origin: unknown. Affected: yes.
Comment: PM2, PVS2, PP4

GeneDx
Classification: Pathogenic. Last evaluated: 2018-08-27. Review status: criteria provided, single submitter. Criteria: GeneDx Variant Classification (06012015). Collection method: clinical testing. Allele origin: germline. Affected: yes.
Comment: The C1791R pathogenic variant in the FBN1 gene has been previously reported in association with Marfan syndrome (Rommel et al., 2005; Ogawa et al., 2011). Rommel et al. (2005) identified this variant in two sisters diagnosed with classic Marfan syndrome per Ghent diagnostic criteria. This variant is also not observed in large population cohorts (Lek et al., 2016). The C1791R variant is a non-conservative amino acid substitution, which is likely to impact secondary protein structure as these residues differ in polarity, charge, size and/or other properties. Additionally, this substitution occurs at a position that is conserved across species and in silico analysis predicts this variant is probably damaging to the protein structure/function. Furthermore, C1791R affects a Cysteine residue within a calcium-binding EGF-like domain of the FBN1 gene, which may affect disulfide bonding and is predicted to alter the structure and function of the protein. Cysteine substitutions in the calcium-binding EGF-like domains represent the majority of pathogenic missense changes associated with FBN1-related disorders (Collod-Beroud et al., 2003). Finally, other pathogenic/likely pathogenic variants at the same residue (C1791Y, C1791F) have also been reported in association with FBN1-related disorders (Loeys et al., 2001; Howarth et al., 2007), supporting the functional importance of this residue.

Ambry Genetics
Classification: Likely pathogenic for Familial thoracic aortic aneurysm and aortic dissection. Last evaluated: 2018-08-24. Review status: criteria provided, single submitter. Criteria: Ambry Variant Classification Scheme 2023. Collection method: clinical testing. Allele origin: germline.
Comment: The p.C1791R variant (also known as c.5371T>C), located in coding exon 43 of the FBN1 gene, results from a T to C substitution at nucleotide position 5371. The cysteine at codon 1791 is replaced by arginine, an amino acid with highly dissimilar properties, and is located in the cbEGF-like #25 domain. This alterations has been detected in individuals reported to have Marfan syndrome or related features (Rommel K et al. Hum Mutat. 2005;26:529-39; Ogawa N et al. Am J Cardiol. 2011;108:1801-7). Other alterations affecting this amino acid, p.C1791Y and p.C1791F, have also been reported in association with Marfan syndrome (Loeys B et al. Arch Intern Med. 2001;161:2447-54; Howarth R et al. Genet Test. 2007;11:146-52). This amino acid position is highly conserved in available vertebrate species. In addition, this alteration is predicted to be deleterious by in silico analysis. Based on internal structural assessment, this alteration eliminates a structurally critical disulfide in the structurally sensitive cbEGF-like domain #25. Furthermore, the majority of FBN1 mutations identified to date have involved the substitution or generation of cysteine residues within cbEGF domains (Vollbrandt T et al. J Biol Chem. 2004;279(31):32924-32931). Based on the majority of available evidence to date, this alteration is likely to be pathogenic.

Center for Medical Genetics Ghent, University of Ghent
Classification: Pathogenic for Marfan syndrome. Last evaluated: 2017-11-07. Review status: no assertion criteria provided. Collection method: clinical testing. Allele origin: germline. Affected: yes. Not counted in ClinVar's aggregate classification.

Literature cited by the submitters: PubMed 16220557 (cited by Labcorp Genetics (formerly Invitae), Labcorp and Ambry Genetics); PubMed 16905551 (cited by Labcorp Genetics (formerly Invitae), Labcorp); PubMed 19349279 (cited by Labcorp Genetics (formerly Invitae), Labcorp); PubMed 16571647 (cited by Labcorp Genetics (formerly Invitae), Labcorp); PubMed 17701892 (cited by Labcorp Genetics (formerly Invitae), Labcorp); PubMed 11700157 (cited by Ambry Genetics); PubMed 17627385 (cited by Ambry Genetics); PubMed 21907952 (cited by Ambry Genetics).

NM_000138.5(FBN1):c.5371T>C (p.Cys1791Arg)

Gene: FBN1 (fibrillin 1; minus strand). Cytogenetic location: 15q21.1.
Variant type: single nucleotide variant.
Coding change: c.5371T>C on transcript NM_000138.5 (MANE Select); coding-DNA position 5371, T replaced by C.
Protein change: p.Cys1791Arg; replaces cysteine 1791 with arginine.
Molecular consequence: missense variant.
Genome position (GRCh38, 1-based): chr15:48,456,688, A>G on the plus strand (T>C on the coding strand, the complement: FBN1 is on the minus strand). VCF-style: chr15-48456688-A-G. GRCh37 (hg19) VCF-style: chr15-48748885-A-G.
Other names: short protein forms C1791R.
Identifiers: ClinVar variation 449439 (VCV000449439.32), dbSNP rs1555396427, ClinGen allele CA392346026.